The following is an entry in ClinVar:

ClinVar aggregate classification (germline): Uncertain significance. Review status: criteria provided, multiple submitters, no conflicts (2 of 4 stars). 2 submissions from 2 submitters: Uncertain significance (2). Last evaluated 2024-07-10.

Conditions:
Bailey-Bloch congenital myopathy (CMYO13). Also called: Congenital myopathy 13; STAC3 disorder; Native American myopathy. Identifiers: Orphanet 168572, MedGen C1850625, MONDO:0009722, OMIM 255995.

Allele frequency attached by ClinVar (database versions not stated): ExAC 0.00001; gnomAD exomes 0.00001; TOPMed 0.00002; gnomAD 0.00003.
gnomAD v4.1: 16 of 1,613,972 alleles (0.00099%); highest among the groups gnomAD compares: African/African-American, 0.0027%; no homozygotes.

Submissions (3):

GeneDx
Classification: Uncertain significance. Last evaluated: 2024-07-10. Review status: criteria provided, single submitter. Criteria: GeneDx Variant Classification Process June 2021. Collection method: clinical testing. Allele origin: germline. Affected: yes.
Comment: Not observed at significant frequency in large population cohorts (gnomAD); In silico analysis supports that this missense variant has a deleterious effect on protein structure/function; Has not been previously published as pathogenic or benign to our knowledge; In silico analysis suggests this variant may impact gene splicing. In the absence of RNA/functional studies, the actual effect of this sequence change is unknown.

Labcorp Genetics (formerly Invitae), Labcorp
Classification: Uncertain significance for Bailey-Bloch congenital myopathy. Last evaluated: 2024-03-04. Review status: criteria provided, single submitter. Criteria: Invitae Variant Classification Sherloc (09022015). Collection method: clinical testing. Allele origin: germline.
Comment: This sequence change replaces asparagine, which is neutral and polar, with aspartic acid, which is acidic and polar, at codon 299 of the STAC3 protein (p.Asn299Asp). This variant is present in population databases (rs754269738, gnomAD 0.002%). This variant has not been reported in the literature in individuals affected with STAC3-related conditions. ClinVar contains an entry for this variant (Variation ID: 647235). Advanced modeling of protein sequence and biophysical properties (such as structural, functional, and spatial information, amino acid conservation, physicochemical variation, residue mobility, and thermodynamic stability) has been performed at Invitae for this missense variant, however the output from this modeling did not meet the statistical confidence thresholds required to predict the impact of this variant on STAC3 protein function. In summary, the available evidence is currently insufficient to determine the role of this variant in disease. Therefore, it has been classified as a Variant of Uncertain Significance.

Dr. Peter K. Rogan Lab, Western University
No classification provided (evidence only). Condition: Sarcoma. Review status: no classification provided. Collection method: in vitro. Allele origin: not applicable. Functional consequence: retained intron. Not counted in ClinVar's aggregate classification.

NM_145064.3(STAC3):c.895A>G (p.Asn299Asp)

Gene: STAC3 (SH3 and cysteine rich domain 3; minus strand). Cytogenetic location: 12q13.3.
Variant type: single nucleotide variant.
Coding change: c.895A>G on transcript NM_145064.3 (MANE Select); coding-DNA position 895, A replaced by G.
Protein change: p.Asn299Asp; replaces asparagine 299 with aspartic acid.
Molecular consequence: missense variant. On other transcripts: non-coding transcript variant (1).
Genome position (GRCh38, 1-based): chr12:57,244,189, T>C on the plus strand (A>G on the coding strand, the complement: STAC3 is on the minus strand). VCF-style: chr12-57244189-T-C. GRCh37 (hg19) VCF-style: chr12-57637972-T-C.
Other names: c.778A>G, p.Asn260Asp (NM_001286256.2); c.337A>G, p.Asn113Asp (NM_001286257.2); short protein forms N260D, N299D, N113D.
Identifiers: ClinVar variation 647235 (VCV000647235.10), dbSNP rs754269738, ClinGen allele CA6646952.
Genomic context (GRCh38, chr12:57,244,189, plus strand): 5'-CCACGAAGGATCTCGTCACGCGGTGCACACGTTCTCCAGCCCGGACCCGAATGATGAAGT[T>C]TGGAGGGAAAAATCCGACCTTCTCCCCGATTTTCCCCTAGGGAAGATAGTAGGGAGAGTC-3'
Protein context (NP_659501.1, residues 289-309): IGEKVGFFPP[Asn299Asp]FIIRVRAGER